The following is an entry in ClinVar:

ClinVar aggregate classification (germline): Likely pathogenic (1 of 4 stars; one submission).

Submission:

GeneDx
Classification: Likely pathogenic. Last evaluated: 2025-05-22. Review status: criteria provided, single submitter. Criteria: GeneDx Variant Classification Process June 2021. Collection method: clinical testing. Allele origin: germline. Affected: yes.
Comment: Nonsense variant predicted to result in protein truncation as the last 57 amino acid(s) are lost; Not observed at significant frequency in large population cohorts (gnomAD); This variant is associated with the following publications: (PMID: 37228935)

NM_013328.4(PYCR2):c.790C>T (p.Arg264Ter)

Gene: PYCR2 (pyrroline-5-carboxylate reductase 2; minus strand). Cytogenetic location: 1q42.12.
Variant type: single nucleotide variant.
Coding change: c.790C>T on transcript NM_013328.4 (MANE Select); coding-DNA position 790, C replaced by T.
Protein change: p.Arg264Ter; replaces arginine 264 with a stop codon.
Molecular consequence: nonsense.
Genome position (GRCh38, 1-based): chr1:225,921,215, G>A on the plus strand (C>T on the coding strand, the complement: PYCR2 is on the minus strand). VCF-style: chr1-225921215-G-A. GRCh37 (hg19) VCF-style: chr1-226108915-G-A.
Other names: c.568C>T, p.Arg190Ter (NM_001271681.2); short protein forms R190*, R264*.
Identifiers: ClinVar variation 4530792 (VCV004530792.1).